The following is an entry in ClinVar:

ClinVar aggregate classification (germline): Pathogenic/Likely pathogenic. Review status: criteria provided, multiple submitters, no conflicts (2 of 4 stars). 9 submissions from 9 submitters: Pathogenic (6); Likely pathogenic (1). 2 of the submissions do not count toward it. Last evaluated 2025-10-02.

Conditions:
Finnish congenital nephrotic syndrome (NPHS1). Also called: NEPHROTIC SYNDROME, TYPE 1. Identifiers: Orphanet 839, MedGen C0403399, MONDO:0009732, OMIM 256300.

Allele frequency attached by ClinVar (database versions not stated): gnomAD 0.00002 and 0.00001; TOPMed 0.00002; ExAC 0.00002; gnomAD exomes 0.00002.

Submissions (9):

Dasa
Classification: Likely pathogenic. Last evaluated: 2025-10-02. Review status: criteria provided, single submitter. Criteria: DASA Assertion Criteria. Collection method: clinical testing. Allele origin: germline.
Comment: NM_004646.4(NPHS1):c.2464G>A (p.Val822Met) is a missense variant that results in the substitution of valine with methionine. This variant has been recurrently observed in individuals with NPHS1-related disorders (PMID: 31937884; PMID: 17290294; PMID: 32604935). Functional evidence supports an impact on the gene or gene product. Also, this variant is rare in population databases. Based on the currently available evidence, this variant is classified as likely pathogenic.

3billion
Classification: Pathogenic for Finnish congenital nephrotic syndrome. Last evaluated: 2025-07-21. Review status: criteria provided, single submitter. Criteria: ACMG Guidelines, 2015. Collection method: clinical testing. Allele origin: germline. Inheritance: Autosomal recessive inheritance. Affected: yes. Observed: 1 heterozygote.
Comment: The variant is observed at an extremely low frequency in the gnomAD v4.1.0 dataset (total allele frequency: 0.001%). Predicted Consequence/Location: Missense variant. The majority of the known disease-causing variants of this gene are variants expected to result in premature termination of the protein. Functional studies provide strong evidence of the variant having a damaging effect on the gene or gene product (PMID: 19443487). In silico tool predictions suggest damaging effect of the variant on gene or gene product [3Cnet: 0.99 (> 0.75, sensitivity 0.96 and precision 0.92)].The same nucleotide change resulting in the same amino acid change has been previously reported to be associated with NPHS1-related disorder (ClinVar ID: VCV000006875 / PMID: 17290294). The variant has been reported to be in trans with a pathogenic variant as either compound heterozygous or homozygous in at least 2 similarly affected unrelated individuals (PMID: 31937884). The variant has been reported to co-segregate with the disease in at least one similarly affected relative/individual in the same family or similarly affected unrelated families (PMID: 17290294). Therefore, this variant is classified as Pathogenic according to the recommendation of ACMG/AMP guideline.

Natera, Inc.
Classification: Pathogenic for Finnish congenital nephrotic syndrome. Last evaluated: 2025-07-21. Review status: criteria provided, single submitter. Criteria: Natera Variant Classification Schema (03/2026). Collection method: clinical testing. Allele origin: germline.
Comment: The c.2464G>A variant in NPHS1 is a missense variant predicted to cause substitution of valine to methionine at amino acid 822. This variant is rare in the general population with a frequency below the threshold expected for the associated phenotype(s). This variant has been observed in one or more individuals affected with the associated recessive disease, as either homozygous or compound heterozygous with a second variant (PMID: 31937884, 32604935, 17290294). Additionally, this variant has been observed to segregate in affected family members (PMID: 17290294). Functional studies show that this variant may disrupt protein function (PMID: 19443487). Computational prediction algorithms indicate this variant is likely to affect gene or protein function. Given the available evidence, this variant is classified as Pathogenic.

Revvity Omics, Revvity
Classification: Pathogenic for Finnish congenital nephrotic syndrome. Last evaluated: 2025-04-02. Review status: criteria provided, single submitter. Criteria: ACMG Guidelines, 2015. Collection method: clinical testing. Allele origin: germline.

Fulgent Genetics
Classification: Pathogenic for Finnish congenital nephrotic syndrome. Last evaluated: 2024-03-05. Review status: criteria provided, single submitter. Criteria: ACMG Guidelines, 2015. Collection method: clinical testing. Allele origin: germline.

Labcorp Genetics (formerly Invitae), Labcorp
Classification: Pathogenic. Last evaluated: 2023-10-23. Review status: criteria provided, single submitter. Criteria: Invitae Variant Classification Sherloc (09022015). Collection method: clinical testing. Allele origin: germline.
Comment: This sequence change replaces valine, which is neutral and non-polar, with methionine, which is neutral and non-polar, at codon 822 of the NPHS1 protein (p.Val822Met). This variant is present in population databases (rs267606918, gnomAD 0.02%). This missense change has been observed in individual(s) with nephrotic syndrome (PMID: 17290294, 31937884). In at least one individual the data is consistent with being in trans (on the opposite chromosome) from a pathogenic variant. It has also been observed to segregate with disease in related individuals. ClinVar contains an entry for this variant (Variation ID: 6875). Advanced modeling of protein sequence and biophysical properties (such as structural, functional, and spatial information, amino acid conservation, physicochemical variation, residue mobility, and thermodynamic stability) performed at Invitae indicates that this missense variant is not expected to disrupt NPHS1 protein function. Experimental studies have shown that this missense change affects NPHS1 function (PMID: 17290294). For these reasons, this variant has been classified as Pathogenic.

Women's Health and Genetics/Laboratory Corporation of America, LabCorp
Classification: Pathogenic for Finnish congenital nephrotic syndrome. Last evaluated: 2023-04-25. Review status: criteria provided, single submitter. Criteria: LabCorp Variant Classification Summary - May 2015. Collection method: clinical testing. Allele origin: germline.
Comment: Variant summary: NPHS1 c.2464G>A (p.Val822Met) results in a conservative amino acid change located in the Immunoglobulin subtype domain (IPR003599) of the encoded protein sequence. Three of four in-silico tools predict a benign effect of the variant on protein function. The variant allele was found at a frequency of 1.6e-05 in 251512 control chromosomes (gnomAD and publication data). c.2464G>A has been reported in the literature in multiple compound heterozygous and homozygous individuals affected with Nephrotic Syndrome (Kitamura_2007, Nagano_2020, Park_2020). These data indicate that the variant is very likely to be associated with disease. At least two publication reports experimental evidence evaluating an impact on protein function and this variant results in reduced cell surface targeting and ineffective assembly of signaling microdomains (Kitamura_2007, Shono_2009). The following publications have been ascertained in the context of this evaluation (PMID: 17290294, 31937884, 32604935, 19443487). Three ClinVar submitters (evaluation after 2014) cite this variant as uncertain significance (n=2) and pathogenic (n=1). Based on the evidence outlined above, the variant was classified as pathogenic.

OMIM
Classification: Pathogenic for NEPHROTIC SYNDROME, TYPE 1. Last evaluated: 2007-05-01. Review status: no assertion criteria provided. Collection method: literature only. Allele origin: germline. Not counted in ClinVar's aggregate classification.

Counsyl
Classification: Uncertain significance for Finnish congenital nephrotic syndrome. Last evaluated: 2017-09-26. Review status: flagged submission. Collection method: clinical testing. Allele origin: unknown. Not counted in ClinVar's aggregate classification.
ClinVar note: Reason: Older and outlier claim with insufficient supporting evidence

Literature cited by the submitters: PubMed 31937884 (cited by 5 submitters); PubMed 17290294 (cited by 7 submitters); PubMed 32604935 (cited by 3 submitters); PubMed 19443487 (cited by 4 submitters).

NM_004646.4(NPHS1):c.2464G>A (p.Val822Met)

Gene: NPHS1 (NPHS1 adhesion molecule, nephrin; minus strand). Cytogenetic location: 19q13.12.
Variant type: single nucleotide variant.
Coding change: c.2464G>A on transcript NM_004646.4 (MANE Select); coding-DNA position 2464, G replaced by A.
Protein change: p.Val822Met; replaces valine 822 with methionine.
Molecular consequence: missense variant.
Genome position (GRCh38, 1-based): chr19:35,842,421, C>T on the plus strand (G>A on the coding strand, the complement: NPHS1 is on the minus strand). VCF-style: chr19-35842421-C-T. GRCh37 (hg19) VCF-style: chr19-36333323-C-T.
Other names: short protein forms V822M.
Identifiers: ClinVar variation 6875 (VCV000006875.18), dbSNP rs267606918, ClinGen allele CA250042.
Genomic context (GRCh38, chr19:35,842,421, plus strand): 5'-TGTTTGGGTAATACCCACATCTGACAACAAGACGGAGCAGCCGTCGTGCTGGAGGCGCCA[C>T]CCCATTGTCCACAATGCACTGGTAAGCGCCAGCCTGGGCCAGTTTGGCATGGTGAATCCG-3'
Protein context (NP_004637.1, residues 812-832): GAYQCIVDNG[Val822Met]APPARRLLRL